The following is an entry in ClinVar:

NM_000350.3(ABCA4):c.4689del (p.Gly1564fs)

Genes: ABCA4 (ATP binding cassette subfamily A member 4; minus strand), LOC126805793 (CDK7 strongly-dependent group 2 enhancer GRCh37_chr1:94486302-94487501; plus strand). Cytogenetic location: 1p22.1.
Variant type: Deletion.
Coding change: c.4689del on transcript NM_000350.3 (MANE Select); coding-DNA position 4689, one base deleted (A; older notation c.4689delA).
Protein change: p.Gly1564fs; shifts the reading frame from glycine 1564.
Molecular consequence: frameshift variant.
Genome position (GRCh38, 1-based): chr1:94,021,930, T deleted on the plus strand (A on the coding strand, the reverse complement: ABCA4 is on the minus strand). VCF-style (leftmost placement, unchanged base first): chr1-94021929-CT-C. GRCh37 (hg19) VCF-style: chr1-94487485-CT-C.
Other names: c.4467del, p.Gly1490fs (NM_001425324.1); short protein forms G1490fs, G1564fs.
Identifiers: ClinVar variation 4293927 (VCV004293927.2).
Genomic context (GRCh38, chr1:94,021,929, plus strand): 5'-CAAGGTCGCTTAAAAACCCAACAAGTGCTTCCCCCGTGATGGGGACGACTGGGAGCTTTC[CT>C]CCAATGGAAATTCCTCCATACCTGACAAGGAAACAGGAAATCCTCAGACCAGGGCCACGA-3'

ClinVar aggregate classification (germline): Pathogenic. Review status: criteria provided, multiple submitters, no conflicts (2 of 4 stars). 2 submissions from 2 submitters: Pathogenic (2). Last evaluated 2024-10-11.

Conditions:
Severe early-childhood-onset retinal dystrophy (STGD1). Also called: Stargardt macular dystrophy; Juvenile onset macular degeneration; Stargardt disease 1; MACULAR DYSTROPHY WITH FLECKS, TYPE 1; STGD. Identifiers: Orphanet 364055, Orphanet 827, MedGen C1855465, MeSH D000080362, MONDO:0009549, OMIM 248200.
ABCA4-related disorder. Also called: ABCA4-related condition; ABCA4-related disorders. Identifiers: MedGen CN239167.

Submissions (2):

3billion
Classification: Pathogenic for Severe early-childhood-onset retinal dystrophy. Last evaluated: 2024-10-11. Review status: criteria provided, single submitter. Criteria: ACMG Guidelines, 2015. Collection method: clinical testing. Allele origin: germline. Affected: yes.
Comment: The variant is not observed in the gnomAD v4.1.0 dataset. Predicted Consequence/Location: Frameshift: predicted to result in a loss or disruption of normal protein function through nonsense-mediated decay (NMD) or protein truncation. Multiple pathogenic variants are reported downstream of the variant. The variant has been reported to be associated with ABCA4 related disorder (PMID: 30060493). Therefore, this variant is classified as Pathogenic according to the recommendation of ACMG/AMP guideline.

Blueprint Genetics
Classification: Pathogenic for ABCA4-related disorders. Last evaluated: 2021-03-18. Review status: criteria provided, single submitter. Criteria: ACMG Guidelines, 2015. Collection method: clinical testing. Allele origin: germline. Affected: yes. Observed: 2 variant alleles.

Literature cited by the submitters: PubMed 30060493 (cited by 3billion).